The following is an entry in ClinVar:

ClinVar aggregate classification (germline): Uncertain significance (1 of 4 stars; one submission).

Conditions:
Arrhythmogenic right ventricular dysplasia 9 (ARVD9). Also called: Arrhythmogenic Right Ventricular Dysplasia/Cardiomyopathy 9; ARRHYTHMOGENIC RIGHT VENTRICULAR DYSPLASIA, FAMILIAL, 9. Identifiers: MedGen C1836906, MONDO:0012180, OMIM 609040.

Allele frequency attached by ClinVar (database versions not stated): gnomAD exomes 0.00001.

Submission:

Labcorp Genetics (formerly Invitae), Labcorp
Classification: Uncertain significance for Arrhythmogenic right ventricular dysplasia 9. Last evaluated: 2024-11-28. Review status: criteria provided, single submitter. Criteria: Invitae Variant Classification Sherloc (09022015). Collection method: clinical testing. Allele origin: germline.
Comment: This sequence change replaces proline, which is neutral and non-polar, with leucine, which is neutral and non-polar, at codon 276 of the PKP2 protein (p.Pro276Leu). This variant is present in population databases (no rsID available, gnomAD 0.003%). This variant has not been reported in the literature in individuals affected with PKP2-related conditions. ClinVar contains an entry for this variant (Variation ID: 2900632). An algorithm developed to predict the effect of missense changes on protein structure and function (PolyPhen-2) suggests that this variant is likely to be tolerated. In summary, the available evidence is currently insufficient to determine the role of this variant in disease. Therefore, it has been classified as a Variant of Uncertain Significance.

NM_001005242.3(PKP2):c.827C>T (p.Pro276Leu)

Gene: PKP2 (plakophilin 2; minus strand). Cytogenetic location: 12p11.21.
Variant type: single nucleotide variant.
Coding change: c.827C>T on transcript NM_001005242.3 (MANE Select); coding-DNA position 827, C replaced by T.
Protein change: p.Pro276Leu; replaces proline 276 with leucine.
Molecular consequence: missense variant.
Genome position (GRCh38, 1-based): chr12:32,878,053, G>A on the plus strand (C>T on the coding strand, the complement: PKP2 is on the minus strand). VCF-style: chr12-32878053-G-A. GRCh37 (hg19) VCF-style: chr12-33030987-G-A.
Other names: c.827C>T, p.Pro276Leu (NM_001407156.1, NM_001407157.1, NM_001407161.1 and 2 more transcripts); c.500C>T, p.Pro167Leu (NM_001407158.1, NM_001407159.1, NM_001407160.1 and 1 more transcripts); short protein forms P167L, P276L.
Identifiers: ClinVar variation 2900632 (VCV002900632.3), dbSNP rs1471562205, ClinGen allele CA384362253.